The following is an entry in ClinVar:

NM_001256317.3(TMPRSS3):c.948C>G (p.Phe316Leu)

Gene: TMPRSS3 (transmembrane serine protease 3; minus strand). Cytogenetic location: 21q22.3.
Variant type: single nucleotide variant.
Coding change: c.948C>G on transcript NM_001256317.3 (MANE Select); coding-DNA position 948, C replaced by G.
Protein change: p.Phe316Leu; replaces phenylalanine 316 with leucine.
Molecular consequence: missense variant.
Genome position (GRCh38, 1-based): chr21:42,382,069, G>C on the plus strand (C>G on the coding strand, the complement: TMPRSS3 is on the minus strand). VCF-style: chr21-42382069-G-C. GRCh37 (hg19) VCF-style: chr21-43802178-G-C.
Other names: c.948C>G, p.Phe316Leu (NM_024022.4, NM_032405.2); c.567C>G, p.Phe189Leu (NM_032404.3); short protein forms F316L, F189L.
Identifiers: ClinVar variation 178987 (VCV000178987.5), dbSNP rs727504592, ClinGen allele CA183439.

ClinVar aggregate classification (germline): Uncertain significance (1 of 4 stars; one submission).

gnomAD v4.1: 1 of 1,614,200 alleles (0.000062%); highest among the groups gnomAD compares: South Asian, 0.0011%; no homozygotes.

Submission:

Laboratory for Molecular Medicine, Mass General Brigham Personalized Medicine
Classification: Uncertain significance. Last evaluated: 2013-06-18. Review status: criteria provided, single submitter. Criteria: LMM Criteria. Collection method: clinical testing. Allele origin: germline. Observed: 1 variant allele.
Comment: Variant classified as Uncertain Significance - Favor Benign. The Phe316Leu varia nt in TMPRSS3 has not been reported in individuals with hearing loss or in large population studies. Computational analyses (biochemical amino acid properties, conservation, AlignGVGD, PolyPhen2, and SIFT) suggest that the Phe316Leu variant may not impact the protein, though this information is not predictive enough to rule out pathogenicity. Of note, zebra finch and lizard carry a leucine (Leu) a t this position. In summary, the clinical significance of this variant cannot be determined with certainty; however, based upon the lack of conservation, we wou ld lean towards a more likely benign role.